The following is an entry in ClinVar:

NM_015465.5(GEMIN5):c.262G>A (p.Asp88Asn)

Gene: GEMIN5 (gem nuclear organelle associated protein 5; minus strand). Cytogenetic location: 5q33.2.
Variant type: single nucleotide variant.
Coding change: c.262G>A on transcript NM_015465.5 (MANE Select); coding-DNA position 262, G replaced by A.
Protein change: p.Asp88Asn; replaces aspartic acid 88 with asparagine.
Molecular consequence: missense variant.
Genome position (GRCh38, 1-based): chr5:154,937,090, C>T on the plus strand (G>A on the coding strand, the complement: GEMIN5 is on the minus strand). VCF-style: chr5-154937090-C-T. GRCh37 (hg19) VCF-style: chr5-154316650-C-T.
Other names: c.262G>A, p.Asp88Asn (NM_001252156.2); short protein forms D88N.
Identifiers: ClinVar variation 3235718 (VCV003235718.1), dbSNP rs1561733283, ClinGen allele CA361933290.

ClinVar aggregate classification (germline): Uncertain significance (1 of 4 stars; one submission).

Allele frequency attached by ClinVar (database versions not stated): gnomAD exomes below 0.00001.
gnomAD v4.1: 4 of 1,613,992 alleles (0.00025%); highest among the groups gnomAD compares: Non-Finnish European, 0.00034%; no homozygotes.

Submission:

Greenwood Genetic Center Diagnostic Laboratories, Greenwood Genetic Center
Classification: Uncertain significance. Last evaluated: 2024-02-05. Review status: criteria provided, single submitter. Criteria: ACMG Guidelines, 2015. Collection method: clinical testing. Allele origin: germline. Affected: yes.
Comment: PM2, PM3